The following is an entry in ClinVar:

NM_015506.3(MMACHC):c.477C>T (p.Ala159=)

Gene: MMACHC (metabolism of cobalamin associated C; plus strand). Cytogenetic location: 1p34.1.
Variant type: single nucleotide variant.
Coding change: c.477C>T on transcript NM_015506.3 (MANE Select); coding-DNA position 477, C replaced by T.
Protein change: p.Ala159=; no amino-acid change (alanine 159 retained).
Molecular consequence: synonymous variant.
Genome position (GRCh38, 1-based): chr1:45,508,843, C>T. VCF-style: chr1-45508843-C-T. GRCh37 (hg19) VCF-style: chr1-45974515-C-T.
Other names: c.306C>T, p.Ala102= (NM_001330540.2).
Identifiers: ClinVar variation 512037 (VCV000512037.10), dbSNP rs747698015, ClinGen allele CA827771.

ClinVar aggregate classification (germline): Likely benign. Review status: criteria provided, multiple submitters, no conflicts (2 of 4 stars). 4 submissions from 4 submitters: Likely benign (3). 1 of the submissions does not count toward it. Last evaluated 2025-11-13.

Conditions:
Cobalamin C disease. Also called: methylmalonic aciduria and homocystinuria type cblC; Cobalamin-C methylmalonic acidemia and homocystinuria; Methylmalonic acidemia and homocystinuria cblC type; Methylmalonic aciduria and homocystinuria, Vitamin B12-responsive; Vitamin B12 metabolic defect with combined deficiency of methylmalonyl-CoA mutase and homocysteine:methyltetrahydrofolate methyltransferase; Methylmalonic aciduria with homocystinuria cblC type. Identifiers: Orphanet 26, Orphanet 79282, MedGen C1848561, MONDO:0010184, OMIM 277400.

Allele frequency attached by ClinVar (database versions not stated): gnomAD 0.00001; TOPMed 0.00001; gnomAD exomes 0.00004 and 0.00006; ExAC 0.00009.

Submissions (4):

Labcorp Genetics (formerly Invitae), Labcorp
Classification: Likely benign for Cobalamin C disease. Last evaluated: 2025-11-13. Review status: criteria provided, single submitter. Criteria: Invitae Variant Classification Sherloc (09022015). Collection method: clinical testing. Allele origin: germline.

Genome-Nilou Lab
Classification: Likely benign for Cobalamin C disease. Last evaluated: 2023-04-11. Review status: criteria provided, single submitter. Criteria: ACMG Guidelines, 2015. Collection method: clinical testing. Allele origin: germline. Affected: no.

GeneDx
Classification: Likely benign. Last evaluated: 2017-09-13. Review status: criteria provided, single submitter. Criteria: GeneDx Variant Classification (06012015). Collection method: clinical testing. Allele origin: germline. Affected: yes.
Comment: This variant is considered likely benign or benign based on one or more of the following criteria: it is a conservative change, it occurs at a poorly conserved position in the protein, it is predicted to be benign by multiple in silico algorithms, and/or has population frequency not consistent with disease.

Natera, Inc.
Classification: Likely benign for Methylmalonic aciduria with homocystinuria cblC type. Last evaluated: 2020-09-16. Review status: no assertion criteria provided. Collection method: clinical testing. Allele origin: germline. Not counted in ClinVar's aggregate classification.